The following is an entry in ClinVar:

ClinVar aggregate classification (germline): Uncertain significance (1 of 4 stars; one submission).

gnomAD v4.1: 11 of 1,613,310 alleles (0.00068%); highest among the groups gnomAD compares: East Asian, 0.0022%; no homozygotes.

Submission:

Labcorp Genetics (formerly Invitae), Labcorp
Classification: Uncertain significance. Last evaluated: 2026-01-12. Review status: criteria provided, single submitter. Criteria: Invitae Variant Classification Sherloc (09022015). Collection method: clinical testing. Allele origin: germline.
Comment: This sequence change replaces arginine, which is basic and polar, with tryptophan, which is neutral and slightly polar, at codon 516 of the HDAC4 protein (p.Arg516Trp). This variant is present in population databases (no rsID available, gnomAD 0.006%). This variant has not been reported in the literature in individuals affected with HDAC4-related conditions. ClinVar contains an entry for this variant (Variation ID: 2195048). Invitae Evidence Modeling of protein sequence and biophysical properties (such as structural, functional, and spatial information, amino acid conservation, physicochemical variation, residue mobility, and thermodynamic stability) indicates that this missense variant is expected to disrupt HDAC4 protein function with a positive predictive value of 80%. In summary, the available evidence is currently insufficient to determine the role of this variant in disease. Therefore, it has been classified as a Variant of Uncertain Significance.

NM_001378414.1(HDAC4):c.1561C>T (p.Arg521Trp)

Gene: HDAC4 (histone deacetylase 4; minus strand). Cytogenetic location: 2q37.3.
Variant type: single nucleotide variant.
Coding change: c.1561C>T on transcript NM_001378414.1 (MANE Select); coding-DNA position 1561, C replaced by T.
Protein change: p.Arg521Trp; replaces arginine 521 with tryptophan.
Molecular consequence: missense variant.
Genome position (GRCh38, 1-based): chr2:239,115,283, G>A on the plus strand (C>T on the coding strand, the complement: HDAC4 is on the minus strand). VCF-style: chr2-239115283-G-A. GRCh37 (hg19) VCF-style: chr2-240036979-G-A.
Other names: c.1561C>T, p.Arg521Trp (NM_001378415.1); c.1546C>T, p.Arg516Trp (NM_001378416.1, NM_001378417.1, NM_006037.4); short protein forms R521W, R516W.
Identifiers: ClinVar variation 2195048 (VCV002195048.4), dbSNP rs1167101247, ClinGen allele CA351269031.